The following is an entry in ClinVar:

ClinVar aggregate classification (germline): Uncertain significance (1 of 4 stars; one submission).

Conditions:
DICER1-related tumor predisposition. Also called: DICER1-related pleuropulmonary blastoma cancer predisposition syndrome; DICER1 syndrome. Identifiers: Orphanet 284343, MedGen C3839822, MONDO:0100216.

Submission:

Labcorp Genetics (formerly Invitae), Labcorp
Classification: Uncertain significance for DICER1-related tumor predisposition. Last evaluated: 2021-07-31. Review status: criteria provided, single submitter. Criteria: Invitae Variant Classification Sherloc (09022015). Collection method: clinical testing. Allele origin: germline.
Comment: In summary, the available evidence is currently insufficient to determine the role of this variant in disease. Therefore, it has been classified as a Variant of Uncertain Significance. Algorithms developed to predict the effect of missense changes on protein structure and function (SIFT, PolyPhen-2, Align-GVGD) all suggest that this variant is likely to be tolerated. This variant has not been reported in the literature in individuals affected with DICER1-related conditions. This variant is not present in population databases (ExAC no frequency). This sequence change replaces glutamine with glutamic acid at codon 1614 of the DICER1 protein (p.Gln1614Glu). The glutamine residue is moderately conserved and there is a small physicochemical difference between glutamine and glutamic acid.

NM_177438.3(DICER1):c.4840C>G (p.Gln1614Glu)

Gene: DICER1 (dicer 1, ribonuclease III; minus strand). Cytogenetic location: 14q32.13.
Variant type: single nucleotide variant.
Coding change: c.4840C>G on transcript NM_177438.3 (MANE Select); coding-DNA position 4840, C replaced by G.
Protein change: p.Gln1614Glu; replaces glutamine 1614 with glutamic acid.
Molecular consequence: missense variant.
Genome position (GRCh38, 1-based): chr14:95,096,080, G>C on the plus strand (C>G on the coding strand, the complement: DICER1 is on the minus strand). VCF-style: chr14-95096080-G-C. GRCh37 (hg19) VCF-style: chr14-95562417-G-C.
Other names: c.4840C>G, p.Gln1614Glu (NM_001195573.1, NM_001271282.3, NM_001291628.2 and 1 more transcripts); short protein forms Q1614E.
Identifiers: ClinVar variation 1371215 (VCV001371215.7), dbSNP rs2139842281, ClinGen allele CA390866817.